The following is an entry in ClinVar:

ClinVar aggregate classification (germline): Uncertain significance. Review status: criteria provided, multiple submitters, no conflicts (2 of 4 stars). 2 submissions from 2 submitters: Uncertain significance (2). Last evaluated 2022-03-21.

Conditions:
Inborn genetic diseases. Identifiers: MedGen C0950123, MeSH D030342.

Allele frequency attached by ClinVar (database versions not stated): gnomAD 0.00001; TOPMed 0.00002; ExAC 0.00004; gnomAD exomes 0.00006.
gnomAD v4.1: 18 of 1,610,142 alleles (0.0011%); highest among the groups gnomAD compares: Admixed American, 0.025%; no homozygotes.

Submissions (2):

Labcorp Genetics (formerly Invitae), Labcorp
Classification: Uncertain significance. Last evaluated: 2022-03-21. Review status: criteria provided, single submitter. Criteria: Invitae Variant Classification Sherloc (09022015). Collection method: clinical testing. Allele origin: germline.
Comment: This sequence change replaces arginine, which is basic and polar, with glutamine, which is neutral and polar, at codon 770 of the LAMC3 protein (p.Arg770Gln). This variant is present in population databases (rs755627961, gnomAD 0.04%). This variant has not been reported in the literature in individuals affected with LAMC3-related conditions. Algorithms developed to predict the effect of missense changes on protein structure and function (SIFT, PolyPhen-2, Align-GVGD) all suggest that this variant is likely to be tolerated. In summary, the available evidence is currently insufficient to determine the role of this variant in disease. Therefore, it has been classified as a Variant of Uncertain Significance.

Ambry Genetics
Classification: Uncertain significance for Inborn genetic diseases. Last evaluated: 2021-12-07. Review status: criteria provided, single submitter. Criteria: Ambry Variant Classification Scheme 2023. Collection method: clinical testing. Allele origin: germline.

NM_006059.4(LAMC3):c.2309G>A (p.Arg770Gln)

Gene: LAMC3 (laminin subunit gamma 3; plus strand). Cytogenetic location: 9q34.12.
Variant type: single nucleotide variant.
Coding change: c.2309G>A on transcript NM_006059.4 (MANE Select); coding-DNA position 2309, G replaced by A.
Protein change: p.Arg770Gln; replaces arginine 770 with glutamine.
Molecular consequence: missense variant.
Genome position (GRCh38, 1-based): chr9:131,061,185, G>A. VCF-style: chr9-131061185-G-A. GRCh37 (hg19) VCF-style: chr9-133936572-G-A.
Other names: c.2309G>A (NM_006059.3); short protein forms R770Q.
Identifiers: ClinVar variation 1446142 (VCV001446142.4), dbSNP rs755627961, ClinGen allele CA5287382.